The following is an entry in ClinVar:

ClinVar aggregate classification (germline): Uncertain significance (1 of 4 stars; one submission).

Conditions:
Hereditary sensory and autonomic neuropathy type 7. Also called: Neuropathy, hereditary sensory and autonomic, type VII; HSAN VII. Identifiers: Orphanet 391397, MedGen C3809882, MONDO:0014244, OMIM 615548.
Familial episodic pain syndrome with predominantly lower limb involvement. Also called: Episodic pain syndrome, familial, 3. Identifiers: Orphanet 391384, Orphanet 391392, MedGen C3809899, MONDO:0014247, OMIM 615552.

Allele frequency attached by ClinVar (database versions not stated): gnomAD exomes 0.00001; ESP Exome Variant Server 0.00008.

Submission:

Labcorp Genetics (formerly Invitae), Labcorp
Classification: Uncertain significance for Familial episodic pain syndrome with predominantly lower limb involvement; Hereditary sensory and autonomic neuropathy type 7. Last evaluated: 2021-06-26. Review status: criteria provided, single submitter. Criteria: Invitae Variant Classification Sherloc (09022015). Collection method: clinical testing. Allele origin: germline.
Comment: In summary, the available evidence is currently insufficient to determine the role of this variant in disease. Therefore, it has been classified as a Variant of Uncertain Significance. Algorithms developed to predict the effect of missense changes on protein structure and function (SIFT, PolyPhen-2, Align-GVGD) all suggest that this variant is likely to be tolerated, but these predictions have not been confirmed by published functional studies and their clinical significance is uncertain. This variant has not been reported in the literature in individuals with SCN11A-related conditions. This variant is present in population databases (rs137933912, ExAC 0.003%). This sequence change replaces phenylalanine with leucine at codon 1744 of the SCN11A protein (p.Phe1744Leu). The phenylalanine residue is moderately conserved and there is a small physicochemical difference between phenylalanine and leucine.

NM_001349253.2(SCN11A):c.5232T>G (p.Phe1744Leu)

Gene: SCN11A (sodium voltage-gated channel alpha subunit 11; minus strand). Cytogenetic location: 3p22.2.
Variant type: single nucleotide variant.
Coding change: c.5232T>G on transcript NM_001349253.2 (MANE Select); coding-DNA position 5232, T replaced by G.
Protein change: p.Phe1744Leu; replaces phenylalanine 1744 with leucine.
Molecular consequence: missense variant.
Genome position (GRCh38, 1-based): chr3:38,846,838, A>C on the plus strand (T>G on the coding strand, the complement: SCN11A is on the minus strand). VCF-style: chr3-38846838-A-C. GRCh37 (hg19) VCF-style: chr3-38888329-A-C.
Other names: c.5232T>G, p.Phe1744Leu (NM_014139.3); short protein forms F1744L.
Identifiers: ClinVar variation 1357356 (VCV001357356.8), dbSNP rs137933912, ClinGen allele CA2321369.